The following is an entry in ClinVar:

ClinVar aggregate classification (germline): Conflicting classifications of pathogenicity. Review status: criteria provided, conflicting classifications (1 of 4 stars). 2 submissions from 2 submitters: Uncertain significance (1); Likely benign (1). Last evaluated 2025-02-06.

Conditions:
GATA5-related disorder. Also called: GATA5-related condition.

Submissions (2):

PreventionGenetics, part of Exact Sciences
Classification: Uncertain significance for GATA5-related condition. Last evaluated: 2025-02-06. Review status: criteria provided, single submitter. Criteria: ACMG Guidelines, 2015. Collection method: clinical testing. Allele origin: germline.
Comment: The GATA5 c.1149G>T variant is predicted to result in the amino acid substitution p.Arg383Ser. To our knowledge, this variant has not been reported in the literature. This variant is reported in 0.00090% of alleles in individuals of European (Non-Finnish) descent in gnomAD. Of note, in multiple species a serine (Ser) is present at the Arg383 residue. At this time, the clinical significance of this variant is uncertain due to the absence of conclusive functional and genetic evidence.

Ambry Genetics
Classification: Likely benign. Last evaluated: 2022-11-18. Review status: criteria provided, single submitter. Criteria: Ambry Variant Classification Scheme 2023. Collection method: clinical testing. Allele origin: germline.

NM_080473.5(GATA5):c.1149G>T (p.Arg383Ser)

Gene: GATA5 (GATA binding protein 5; minus strand). Cytogenetic location: 20q13.33.
Variant type: single nucleotide variant.
Coding change: c.1149G>T on transcript NM_080473.5 (MANE Select); coding-DNA position 1149, G replaced by T.
Protein change: p.Arg383Ser; replaces arginine 383 with serine.
Molecular consequence: missense variant.
Genome position (GRCh38, 1-based): chr20:62,464,881, C>A on the plus strand (G>T on the coding strand, the complement: GATA5 is on the minus strand). VCF-style: chr20-62464881-C-A. GRCh37 (hg19) VCF-style: chr20-61039937-C-A.
Other names: short protein forms R383S.
Identifiers: ClinVar variation 2204353 (VCV002204353.3), dbSNP rs148724629, ClinGen allele CA9946021.
Genomic context (GRCh38, chr20:62,464,881, plus strand): 5'-GGCTGGCCTGGGGACCTAGGCCAAGGCCAGCGCACACCAGGCCTCTTGGCGCAGAGCCCC[C>A]CTGAGGCCAGCCTGGGGGCTTGGGGCCGTGGAGGGGAAGGCAAAGTCCTCAGGCTCGAAC-3'
Protein context (NP_536721.1, residues 373-393): STAPSPQAGL[Arg383Ser]GALRQEAWCA